The following is an entry in ClinVar:

ClinVar aggregate classification (germline): Pathogenic (1 of 4 stars; one submission).

Conditions:
Fanconi anemia (FA). Also called: Fanconi's anemia. Identifiers: Orphanet 84, MedGen C0015625, MeSH D005199, MONDO:0019391.

Submission:

Labcorp Genetics (formerly Invitae), Labcorp
Classification: Pathogenic for Fanconi anemia. Last evaluated: 2022-07-20. Review status: criteria provided, single submitter. Criteria: Invitae Variant Classification Sherloc (09022015). Collection method: clinical testing. Allele origin: germline.
Comment: For these reasons, this variant has been classified as Pathogenic. This variant has not been reported in the literature in individuals affected with FANCA-related conditions. This variant is not present in population databases (gnomAD no frequency). This sequence change creates a premature translational stop signal (p.Ser1087*) in the FANCA gene. It is expected to result in an absent or disrupted protein product. Loss-of-function variants in FANCA are known to be pathogenic (PMID: 19367192).

Literature cited by the submitters: PubMed 19367192.

NM_000135.4(FANCA):c.3260C>A (p.Ser1087Ter)

Gene: FANCA (FA complementation group A; minus strand). Cytogenetic location: 16q24.3.
Variant type: single nucleotide variant.
Coding change: c.3260C>A on transcript NM_000135.4 (MANE Select); coding-DNA position 3260, C replaced by A.
Protein change: p.Ser1087Ter; replaces serine 1087 with a stop codon.
Molecular consequence: nonsense.
Genome position (GRCh38, 1-based): chr16:89,748,747, G>T on the plus strand (C>A on the coding strand, the complement: FANCA is on the minus strand). VCF-style: chr16-89748747-G-T. GRCh37 (hg19) VCF-style: chr16-89815155-G-T.
Other names: c.3260C>A, p.Ser1087Ter (NM_001286167.3); short protein forms S1087*.
Identifiers: ClinVar variation 2135581 (VCV002135581.4), dbSNP rs376089640, ClinGen allele CA397486371.